The following is an entry in ClinVar:

NM_002032.3(FTH1):c.512_513del (p.Leu170_Phe171insTer)

Genes: BEST1 (bestrophin 1; plus strand), FTH1 (ferritin heavy chain 1; minus strand). Cytogenetic location: 11q12.3.
Variant type: Deletion.
Coding change: c.512_513del on transcript NM_002032.3 (MANE Select); coding-DNA positions 512 to 513, 2 bases deleted (TT; older notation c.512_513delTT).
Protein change: p.Leu170_Phe171insTer.
Molecular consequence: nonsense.
Genome position (GRCh38, 1-based): chr11:61,964,766-61,964,767, AA deleted on the plus strand (TT on the coding strand, the reverse complement: FTH1 is on the minus strand); deleting any 2 consecutive bases within chr11:61,964,766-61,964,768 gives the same sequence; the c. name uses the placement nearest the transcript's 3' end. VCF-style (leftmost placement, unchanged base first): chr11-61964765-CAA-C. GRCh37 (hg19) VCF-style: chr11-61732237-CAA-C.
Other names: c.512_513del (NM_002032.2).
Identifiers: ClinVar variation 2685999 (VCV002685999.5), dbSNP rs2541427837, ClinGen allele CA2697548601.
Genomic context (GRCh38, chr11:61,964,765, plus strand): 5'-TATGGGGAAATTAGCCCGAGGCTTAGCTTTCATTATCACTGTCTCCCAGGGTGTGCTTGT[CAA>C]AGAGATATTCCGCCAAGCCAGATTCGGGCGCTCCCATCTTGCGCAAGTTGGTCACGTGGT-3'

ClinVar aggregate classification (germline): Pathogenic/Likely pathogenic. Review status: criteria provided, multiple submitters, no conflicts (2 of 4 stars). 4 submissions from 4 submitters: Pathogenic (2); Likely pathogenic (1). 1 of the submissions does not count toward it. Last evaluated 2025-12-30.

Conditions:
FTH1-related disorder. Also called: FTH1-related condition.
Neurodegeneration with brain iron accumulation 9 (NBIA9). Identifiers: MedGen C5882740, MONDO:0958012, OMIM 620669.

Submissions (4):

GeneDx
Classification: Pathogenic. Last evaluated: 2025-12-30. Review status: criteria provided, single submitter. Criteria: GeneDx Variant Classification Process June 2021. Collection method: clinical testing. Allele origin: germline.
Comment: Nonsense variant predicted to result in protein truncation as the last 13 amino acid(s) are lost with an unclear effect on protein function; Not observed at significant frequency in large population cohorts (gnomAD); This variant is associated with the following publications: (PMID: 37660254)

Institute of Human Genetics, University of Leipzig Medical Center
Classification: Pathogenic for Neurodegeneration with brain iron accumulation 9. Last evaluated: 2025-08-26. Review status: criteria provided, single submitter. Criteria: ACMG Guidelines, 2015. Collection method: clinical testing. Allele origin: unknown. Inheritance: Autosomal dominant inheritance. Affected: yes.
Comment: Criteria applied: PS2,PVS1_MOD,PS4_MOD,PM2

Blueprint Genetics
Classification: Likely pathogenic for FTH1-related disorders. Last evaluated: 2024-08-01. Review status: criteria provided, single submitter. Criteria: ACMG Guidelines, 2015. Collection method: clinical testing. Allele origin: germline. Affected: yes. Observed: 1 variant allele.

OMIM
Classification: Pathogenic for NEURODEGENERATION WITH BRAIN IRON ACCUMULATION 9. Last evaluated: 2024-01-10. Review status: no assertion criteria provided. Collection method: literature only. Allele origin: germline. Not counted in ClinVar's aggregate classification.

Literature cited by the submitters: PubMed 37660254 (cited by OMIM).